The following is an entry in ClinVar:

NM_020810.3(TRMT5):c.1527T>G (p.Thr509=)

Gene: TRMT5 (tRNA methyltransferase 5; minus strand). Cytogenetic location: 14q23.1.
Variant type: single nucleotide variant.
Coding change: c.1527T>G on transcript NM_020810.3 (MANE Select); coding-DNA position 1527, T replaced by G.
Protein change: p.Thr509=; no amino-acid change (threonine 509 retained).
Molecular consequence: synonymous variant.
Genome position (GRCh38, 1-based): chr14:60,975,112, A>C on the plus strand (T>G on the coding strand, the complement: TRMT5 is on the minus strand). VCF-style: chr14-60975112-A-C. GRCh37 (hg19) VCF-style: chr14-61441830-A-C.
Other names: c.1611T>G, p.Thr537= (NM_001350253.1); c.1608T>G, p.Thr536= (NM_001350254.1).
Identifiers: ClinVar variation 1366929 (VCV001366929.9), dbSNP rs760634720, ClinGen allele CA7213699.

ClinVar aggregate classification (germline): Uncertain significance. Review status: criteria provided, multiple submitters, no conflicts (2 of 4 stars). 2 submissions from 2 submitters: Uncertain significance (2). Last evaluated 2023-09-01.

Conditions:
Combined oxidative phosphorylation defect type 26 (PNSED). Also called: PERIPHERAL NEUROPATHY WITH VARIABLE SPASTICITY, EXERCISE INTOLERANCE, AND DEVELOPMENTAL DELAY; Combined oxidative phosphorylation deficiency 26. Identifiers: Orphanet 477684, MedGen C5567741, MONDO:0014684, OMIM 616539.

Allele frequency attached by ClinVar (database versions not stated): ExAC 0.00001; gnomAD exomes 0.00001; TOPMed 0.00001; gnomAD 0.00002.
gnomAD v4.1: 14 of 1,606,058 alleles (0.00087%); highest among the groups gnomAD compares: Non-Finnish European, 0.0011%; no homozygotes.

Submissions (2):

Labcorp Genetics (formerly Invitae), Labcorp
Classification: Uncertain significance. Last evaluated: 2023-09-01. Review status: criteria provided, single submitter. Criteria: Invitae Variant Classification Sherloc (09022015). Collection method: clinical testing. Allele origin: germline.
Comment: In summary, the available evidence is currently insufficient to determine the role of this variant in disease. Therefore, it has been classified as a Variant of Uncertain Significance. Algorithms developed to predict the effect of sequence changes on RNA splicing suggest that this variant may create or strengthen a splice site. ClinVar contains an entry for this variant (Variation ID: 1366929). This variant has not been reported in the literature in individuals affected with TRMT5-related conditions. This variant is present in population databases (rs760634720, gnomAD 0.003%). This sequence change affects codon 509 of the TRMT5 mRNA. It is a 'silent' change, meaning that it does not change the encoded amino acid sequence of the TRMT5 protein.

Department of Pathology and Laboratory Medicine, Sinai Health System
Classification: Uncertain significance for Combined oxidative phosphorylation defect type 26. Last evaluated: 2022-11-14. Review status: criteria provided, single submitter. Criteria: ACMG Guidelines, 2015. Collection method: research. Allele origin: germline.